The following is an entry in ClinVar:

ClinVar aggregate classification (germline): Conflicting classifications of pathogenicity. Review status: criteria provided, conflicting classifications (1 of 4 stars). 3 submissions from 3 submitters: Uncertain significance (2); Likely benign (1). Last evaluated 2026-08-06.

Conditions:
Long QT syndrome (LQTS). Identifiers: MedGen C0023976, MeSH D008133, MONDO:0002442. Disease mechanism: loss of function. Inheritance: Various modes of inheritance.
Cardiovascular phenotype. Identifiers: MedGen CN230736.

gnomAD v4.1: 4 of 1,611,488 alleles (0.00025%); highest among the groups gnomAD compares: Admixed American, 0.005%; no homozygotes.

Submissions (3):

OLLIN Analises Genomicas, OLLIN
Classification: Uncertain significance. Last evaluated: 2026-08-06. Review status: criteria provided, single submitter. Criteria: ACMG Guidelines 2015 PMID 25741868. Collection method: clinical testing. Allele origin: germline.
Comment: This missense variant, located in exon 23 (of 50), has been reported in ClinVar (accession VCV001408320.10) and in gnomAD with an allele frequency of 0.00025%. However, to our knowledge, it has not been reported in the scientific literature. In silico analysis predicts that this variant has a tolerated effect. According to the currently available evidence, this variant has been classified as uncertain significance (BP4).

Ambry Genetics
Classification: Likely benign for Cardiovascular phenotype. Last evaluated: 2026-03-17. Review status: criteria provided, single submitter. Criteria: Ambry Variant Classification Scheme 2023. Collection method: clinical testing. Allele origin: germline.

Labcorp Genetics (formerly Invitae), Labcorp
Classification: Uncertain significance for Long QT syndrome. Last evaluated: 2024-03-13. Review status: criteria provided, single submitter. Criteria: Invitae Variant Classification Sherloc (09022015). Collection method: clinical testing. Allele origin: germline.
Comment: This sequence change replaces alanine, which is neutral and non-polar, with glycine, which is neutral and non-polar, at codon 1871 of the AKAP9 protein (p.Ala1871Gly). This variant is present in population databases (rs748884520, gnomAD 0.006%). This variant has not been reported in the literature in individuals affected with AKAP9-related conditions. ClinVar contains an entry for this variant (Variation ID: 1408320). An algorithm developed to predict the effect of missense changes on protein structure and function (PolyPhen-2) suggests that this variant is likely to be disruptive. In summary, the available evidence is currently insufficient to determine the role of this variant in disease. Therefore, it has been classified as a Variant of Uncertain Significance.

NM_005751.5(AKAP9):c.5612C>G (p.Ala1871Gly)

Gene: AKAP9 (A-kinase anchoring protein 9; plus strand). Cytogenetic location: 7q21.2.
Variant type: single nucleotide variant.
Coding change: c.5612C>G on transcript NM_005751.5 (MANE Select); coding-DNA position 5612, C replaced by G.
Protein change: p.Ala1871Gly; replaces alanine 1871 with glycine.
Molecular consequence: missense variant.
Genome position (GRCh38, 1-based): chr7:92,061,270, C>G. VCF-style: chr7-92061270-C-G. GRCh37 (hg19) VCF-style: chr7-91690584-C-G.
Other names: c.257C>G, p.Ala86Gly (NM_001379277.1); c.5612C>G, p.Ala1871Gly (NM_147185.3); short protein forms A1871G, A86G.
Identifiers: ClinVar variation 1408320 (VCV001408320.11), dbSNP rs748884520, ClinGen allele CA4336877.